The following is an entry in ClinVar:

NM_000245.4(MET):c.3518C>G (p.Thr1173Ser)

Gene: MET (MET proto-oncogene, receptor tyrosine kinase; plus strand). Cytogenetic location: 7q31.2.
Variant type: single nucleotide variant.
Coding change: c.3518C>G on transcript NM_000245.4 (MANE Select); coding-DNA position 3518, C replaced by G.
Protein change: p.Thr1173Ser; replaces threonine 1173 with serine.
Molecular consequence: missense variant.
Genome position (GRCh38, 1-based): chr7:116,778,953, C>G. VCF-style: chr7-116778953-C-G. GRCh37 (hg19) VCF-style: chr7-116419007-C-G.
Other names: c.3572C>G, p.Thr1191Ser (NM_001127500.3); c.2228C>G, p.Thr743Ser (NM_001324402.2); short protein forms T1191S, T1173S, T743S.
Identifiers: ClinVar variation 1039445 (VCV001039445.8), dbSNP rs121913675, ClinGen allele CA368990385.

ClinVar aggregate classification (germline): Uncertain significance (1 of 4 stars; one submission).

Conditions:
Renal cell carcinoma. Identifiers: Orphanet 217071, MedGen C0007134, MeSH D002292, MONDO:0005086, HP:0005584.

Submission:

Labcorp Genetics (formerly Invitae), Labcorp
Classification: Uncertain significance for Renal cell carcinoma. Last evaluated: 2024-12-08. Review status: criteria provided, single submitter. Criteria: Invitae Variant Classification Sherloc (09022015). Collection method: clinical testing. Allele origin: germline.
Comment: This sequence change replaces threonine, which is neutral and polar, with serine, which is neutral and polar, at codon 1191 of the MET protein (p.Thr1191Ser). This variant is not present in population databases (gnomAD no frequency). This variant has not been reported in the literature in individuals affected with MET-related conditions. ClinVar contains an entry for this variant (Variation ID: 1039445). Invitae Evidence Modeling of protein sequence and biophysical properties (such as structural, functional, and spatial information, amino acid conservation, physicochemical variation, residue mobility, and thermodynamic stability) indicates that this missense variant is not expected to disrupt MET protein function with a negative predictive value of 80%. In summary, the available evidence is currently insufficient to determine the role of this variant in disease. Therefore, it has been classified as a Variant of Uncertain Significance.